The following is an entry in ClinVar:

NM_000059.4(BRCA2):c.1928T>C (p.Val643Ala)

Gene: BRCA2 (BRCA2 DNA repair associated; plus strand). Cytogenetic location: 13q13.1.
Variant type: single nucleotide variant.
Coding change: c.1928T>C on transcript NM_000059.4 (MANE Select); coding-DNA position 1928, T replaced by C.
Protein change: p.Val643Ala; replaces valine 643 with alanine.
Molecular consequence: missense variant. On other transcripts: non-coding transcript variant (1), intron variant (2).
Genome position (GRCh38, 1-based): chr13:32,336,283, T>C. VCF-style: chr13-32336283-T-C. GRCh37 (hg19) VCF-style: chr13-32910420-T-C.
Other names: c.1928T>C, p.Val643Ala (NM_001406719.1, NM_001406720.1); c.1909+2896T>C (NM_001406721.1); c.424+5253T>C (NM_001406722.1); short protein forms V643A.
Identifiers: ClinVar variation 2595831 (VCV002595831.3), dbSNP rs922597695, ClinGen allele CA387768290.
Genomic context (GRCh38, chr13:32,336,283, plus strand): 5'-TGATGGTACTTTAATTTTGTCACTTTGTGTTTTTATGTTTAGGTTTATTGCATTCTTCTG[T>C]GAAAAGAAGCTGTTCACAGAATGATTCTGAAGAACCAACTTTGTCCTTAACTAGCTCTTT-3'
Protein context (NP_000050.3, residues 633-653): NADSGLLHSS[Val643Ala]KRSCSQNDSE

ClinVar aggregate classification (germline): Uncertain significance. Review status: criteria provided, multiple submitters, no conflicts (2 of 4 stars). 2 submissions from 2 submitters: Uncertain significance (2). Last evaluated 2025-06-20.

Conditions:
Hereditary breast ovarian cancer syndrome. Also called: Hereditary breast and ovarian cancer; Breast and ovarian cancer; Hereditary breast and ovarian cancer syndrome (HBOC); BRCA1- and BRCA2-Associated Hereditary Breast and Ovarian Cancer; Hereditary breast and ovarian cancer syndrome; Hereditary breast and/or ovarian cancer syndrome. Identifiers: Orphanet 145, MedGen C0677776, MeSH D061325, MONDO:0003582. Disease mechanism: loss of function.
Hereditary cancer-predisposing syndrome. Also called: Tumor predisposition; Hereditary Cancer Syndrome; Hereditary neoplastic syndrome; Neoplastic Syndromes, Hereditary. Identifiers: Orphanet 140162, MedGen C0027672, MeSH D009386, MONDO:0015356.

Submissions (2):

Labcorp Genetics (formerly Invitae), Labcorp
Classification: Uncertain significance for Hereditary breast ovarian cancer syndrome. Last evaluated: 2025-06-20. Review status: criteria provided, single submitter. Criteria: Invitae Variant Classification Sherloc (09022015). Collection method: clinical testing. Allele origin: germline.
Comment: This sequence change replaces valine, which is neutral and non-polar, with alanine, which is neutral and non-polar, at codon 643 of the BRCA2 protein (p.Val643Ala). This variant is not present in population databases (gnomAD no frequency). This variant has not been reported in the literature in individuals affected with BRCA2-related conditions. ClinVar contains an entry for this variant (Variation ID: 2595831). Invitae Evidence Modeling of protein sequence and biophysical properties (such as structural, functional, and spatial information, amino acid conservation, physicochemical variation, residue mobility, and thermodynamic stability) indicates that this missense variant is not expected to disrupt BRCA2 protein function with a negative predictive value of 95%. In summary, the available evidence is currently insufficient to determine the role of this variant in disease. Therefore, it has been classified as a Variant of Uncertain Significance.

Ambry Genetics
Classification: Uncertain significance for Hereditary cancer-predisposing syndrome. Last evaluated: 2023-06-28. Review status: criteria provided, single submitter. Criteria: Ambry Variant Classification Scheme 2023. Collection method: clinical testing. Allele origin: germline.
Comment: The p.V643A variant (also known as c.1928T>C), located in coding exon 10 of the BRCA2 gene, results from a T to C substitution at nucleotide position 1928. The valine at codon 643 is replaced by alanine, an amino acid with similar properties. This amino acid position is not well conserved in available vertebrate species. In addition, this alteration is predicted to be tolerated by in silico analysis. Since supporting evidence is limited at this time, the clinical significance of this alteration remains unclear.